The following is an entry in ClinVar:

NM_152424.4(AMER1):c.539G>A (p.Arg180Gln)

Gene: AMER1 (APC membrane recruitment protein 1; minus strand). Cytogenetic location: Xq11.2.
Variant type: single nucleotide variant.
Coding change: c.539G>A on transcript NM_152424.4 (MANE Select); coding-DNA position 539, G replaced by A.
Protein change: p.Arg180Gln; replaces arginine 180 with glutamine.
Molecular consequence: missense variant.
Genome position (GRCh38, 1-based): chrX:64,192,748, C>T on the plus strand (G>A on the coding strand, the complement: AMER1 is on the minus strand). VCF-style: chrX-64192748-C-T. GRCh37 (hg19) VCF-style: chrX-63412628-C-T.
Other names: short protein forms R180Q.
Identifiers: ClinVar variation 4748859 (VCV004748859.1).
Genomic context (GRCh38, chrX:64,192,748, plus strand): 5'-ACCCTCTCAGGCCCCTTGGCCCCTGGCTCACTTTGCTCAGCCCCAGTGACCTTGCTCTTC[C>T]GGTGACGGCGGATACTGCTAAAAAAGCCTTTTAGGCCTTTCTTTGGCTTGGGCATAGAGG-3'
Protein context (NP_689637.3, residues 170-190): KGFFSSIRRH[Arg180Gln]KSKVTGAEQS

ClinVar aggregate classification (germline): Uncertain significance (1 of 4 stars; one submission).

gnomAD v4.1: 9 of 1,203,723 alleles (0.00075%); highest among the groups gnomAD compares: East Asian, 0.0059%; no homozygotes.

Submission:

Labcorp Genetics (formerly Invitae), Labcorp
Classification: Uncertain significance. Last evaluated: 2025-03-13. Review status: criteria provided, single submitter. Criteria: Invitae Variant Classification Sherloc (09022015). Collection method: clinical testing. Allele origin: germline.
Comment: This sequence change replaces arginine, which is basic and polar, with glutamine, which is neutral and polar, at codon 180 of the AMER1 protein (p.Arg180Gln). This variant is present in population databases (rs755983037, gnomAD 0.008%), including at least one homozygous and/or hemizygous individual. This variant has not been reported in the literature in individuals affected with AMER1-related conditions. An algorithm developed to predict the effect of missense changes on protein structure and function (PolyPhen-2) suggests that this variant is likely to be disruptive. In summary, the available evidence is currently insufficient to determine the role of this variant in disease. Therefore, it has been classified as a Variant of Uncertain Significance.